The following is an entry in ClinVar:

ClinVar aggregate classification (germline): Uncertain significance (1 of 4 stars; one submission).

gnomAD v4.1: 11 of 1,613,536 alleles (0.00068%); highest among the groups gnomAD compares: Middle Eastern, 0.033%; no homozygotes.

Submission:

Labcorp Genetics (formerly Invitae), Labcorp
Classification: Uncertain significance. Last evaluated: 2025-10-16. Review status: criteria provided, single submitter. Criteria: Invitae Variant Classification Sherloc (09022015). Collection method: clinical testing. Allele origin: germline.
Comment: This sequence change replaces proline, which is neutral and non-polar, with alanine, which is neutral and non-polar, at codon 307 of the MKL1 protein (p.Pro307Ala). This variant is present in population databases (rs753496354, gnomAD 0.006%). This variant has not been reported in the literature in individuals affected with MKL1-related conditions. ClinVar contains an entry for this variant (Variation ID: 2173229). An algorithm developed to predict the effect of missense changes on protein structure and function (PolyPhen-2) suggests that this variant is likely to be tolerated. In summary, the available evidence is currently insufficient to determine the role of this variant in disease. Therefore, it has been classified as a Variant of Uncertain Significance.

NM_020831.6(MRTFA):c.1219C>G (p.Pro407Ala)

Gene: MRTFA (myocardin related transcription factor A; minus strand). Cytogenetic location: 22q13.1.
Variant type: single nucleotide variant.
Coding change: c.1219C>G on transcript NM_020831.6 (MANE Select); coding-DNA position 1219, C replaced by G.
Protein change: p.Pro407Ala; replaces proline 407 with alanine.
Molecular consequence: missense variant.
Genome position (GRCh38, 1-based): chr22:40,420,539, G>C on the plus strand (C>G on the coding strand, the complement: MRTFA is on the minus strand). VCF-style: chr22-40420539-G-C. GRCh37 (hg19) VCF-style: chr22-40816543-G-C.
Other names: c.919C>G, p.Pro307Ala (NM_001282660.2); c.1069C>G, p.Pro357Ala (NM_001282661.3); c.1219C>G, p.Pro407Ala (NM_001282662.3); c.1024C>G, p.Pro342Ala (NM_001318139.2); short protein forms P307A, P342A, P357A, P407A.
Identifiers: ClinVar variation 2173229 (VCV002173229.4), dbSNP rs753496354, ClinGen allele CA10249745.